The following is an entry in ClinVar:

ClinVar aggregate classification (germline): Uncertain significance (1 of 4 stars; one submission).

Conditions:
Leukocyte adhesion deficiency 1 (LAD1). Also called: LEUKOCYTE ADHESION DEFICIENCY, TYPE I; LAD 1; Lymphocyte function-associated antigen 1 immunodeficiency; LFA 1 immunodeficiency. Identifiers: Orphanet 2968, Orphanet 99842, MedGen C0398738, MONDO:0007293, OMIM 116920.

Allele frequency attached by ClinVar (database versions not stated): gnomAD exomes below 0.00001.
gnomAD v4.1: 1 of 1,614,200 alleles (0.000062%); highest among the groups gnomAD compares: Non-Finnish European, 0.000085%; no homozygotes.

Submission:

Labcorp Genetics (formerly Invitae), Labcorp
Classification: Uncertain significance for Leukocyte adhesion deficiency 1. Last evaluated: 2024-12-09. Review status: criteria provided, single submitter. Criteria: Invitae Variant Classification Sherloc (09022015). Collection method: clinical testing. Allele origin: germline.
Comment: This sequence change replaces lysine, which is basic and polar, with glutamic acid, which is acidic and polar, at codon 294 of the ITGB2 protein (p.Lys294Glu). This variant is not present in population databases (gnomAD no frequency). This variant has not been reported in the literature in individuals affected with ITGB2-related conditions. ClinVar contains an entry for this variant (Variation ID: 1002291). An algorithm developed to predict the effect of missense changes on protein structure and function outputs the following: PolyPhen-2: "Benign". The glutamic acid amino acid residue is found in multiple mammalian species, which suggests that this missense change does not adversely affect protein function. In summary, the available evidence is currently insufficient to determine the role of this variant in disease. Therefore, it has been classified as a Variant of Uncertain Significance.

NM_000211.5(ITGB2):c.880A>G (p.Lys294Glu)

Gene: ITGB2 (integrin subunit beta 2; minus strand). Cytogenetic location: 21q22.3.
Variant type: single nucleotide variant.
Coding change: c.880A>G on transcript NM_000211.5 (MANE Select); coding-DNA position 880, A replaced by G.
Protein change: p.Lys294Glu; replaces lysine 294 with glutamic acid.
Molecular consequence: missense variant.
Genome position (GRCh38, 1-based): chr21:44,900,337, T>C on the plus strand (A>G on the coding strand, the complement: ITGB2 is on the minus strand). VCF-style: chr21-44900337-T-C. GRCh37 (hg19) VCF-style: chr21-46320252-T-C.
Other names: c.880A>G, p.Lys294Glu (NM_001127491.3); c.673A>G, p.Lys225Glu (NM_001303238.2); short protein forms K225E, K294E.
Identifiers: ClinVar variation 1002291 (VCV001002291.9), dbSNP rs2083933179, ClinGen allele CA410474457.